The following is an entry in ClinVar:

ClinVar aggregate classification (germline): Pathogenic (1 of 4 stars; one submission).

Conditions:
Neuromuscular disease caused by qualitative or quantitative defects of dysferlin. Also called: Qualitative or quantitative defects of dysferlin; Dysferlinopathy. Identifiers: Orphanet 207073, MedGen C2931687, MONDO:0016145.

Submission:

Labcorp Genetics (formerly Invitae), Labcorp
Classification: Pathogenic for Neuromuscular disease caused by qualitative or quantitative defects of dysferlin. Last evaluated: 2018-04-25. Review status: criteria provided, single submitter. Criteria: Invitae Variant Classification Sherloc (09022015). Collection method: clinical testing. Allele origin: germline.
Comment: For these reasons, this variant has been classified as Pathogenic. Loss-of-function variants in DYSF are known to be pathogenic (PMID: 17698709, 20301480). A different variant (c.5606G>A) giving rise to the same protein effect observed here (p.Trp1869*) has been reported in an individual affected with DYSF-related muscular dystrophy (PMID: 21522182). This variant has not been reported in the literature in individuals with DYSF-related disease. This variant is not present in population databases (ExAC no frequency). This sequence change creates a premature translational stop signal (p.Trp1869*) in the DYSF gene. It is expected to result in an absent or disrupted protein product.

Literature cited by the submitters: PubMed 17698709; PubMed 20301480; PubMed 21522182.

NM_001130987.2(DYSF):c.5724G>A (p.Trp1908Ter)

Gene: DYSF (dysferlin; plus strand). Cytogenetic location: 2p13.2.
Variant type: single nucleotide variant.
Coding change: c.5724G>A on transcript NM_001130987.2 (MANE Select); coding-DNA position 5724, G replaced by A.
Protein change: p.Trp1908Ter; replaces tryptophan 1908 with a stop codon.
Molecular consequence: nonsense.
Genome position (GRCh38, 1-based): chr2:71,669,686, G>A. VCF-style: chr2-71669686-G-A. GRCh37 (hg19) VCF-style: chr2-71896816-G-A.
Other names: c.5610G>A, p.Trp1870Ter (NM_001130455.2); c.5565G>A, p.Trp1855Ter (NM_001130976.2); c.5628G>A, p.Trp1876Ter (NM_001130977.2); c.5670G>A, p.Trp1890Ter (NM_001130978.2); c.5700G>A, p.Trp1900Ter (NM_001130979.2); c.5658G>A, p.Trp1886Ter (NM_001130980.2); c.5721G>A, p.Trp1907Ter (NM_001130981.2); c.5703G>A, p.Trp1901Ter (NM_001130982.2); and 5 more; short protein forms W1908*, W1869*, W1856*, W1890*, W1876*, W1887*, W1870*, W1891*.
Identifiers: ClinVar variation 571837 (VCV000571837.8), dbSNP rs1558787893, ClinGen allele CA347223854.